The following is an entry in ClinVar:

ClinVar aggregate classification (germline): Uncertain significance (1 of 4 stars; one submission).

Conditions:
Familial thoracic aortic aneurysm and aortic dissection (TAAD). Also called: Thoracic aortic aneurysms and dissections. Identifiers: Orphanet 91387, MedGen C4707243, MONDO:0019625.

Allele frequency attached by ClinVar (database versions not stated): gnomAD exomes below 0.00001.
gnomAD v4.1: 2 of 1,613,422 alleles (0.00012%); highest among the groups gnomAD compares: Non-Finnish European, 0.00017%; no homozygotes.

Submission:

Color Diagnostics, LLC DBA Color Health
Classification: Uncertain significance for Familial thoracic aortic aneurysm and aortic dissection. Last evaluated: 2023-12-05. Review status: criteria provided, single submitter. Criteria: ACMG Guidelines, 2015. Collection method: clinical testing. Allele origin: germline.
Comment: This missense variant replaces glycine with glutamic acid at codon 1683 of the FBN1 protein. Computational prediction tools and conservation analyses suggest that this variant may have deleterious impact on protein function. Computational splicing tools suggest that this variant may not impact RNA splicing. To our knowledge, functional assays have not been performed for this variant nor has this variant been reported in individuals affected with cardiovascular disorders in the literature. This variant has not been identified in the general population by the Genome Aggregation Database (gnomAD). Available evidence is insufficient to determine the role of this variant in disease conclusively. Therefore, this variant is classified as a Variant of Uncertain Significance.

NM_000138.5(FBN1):c.5048G>A (p.Gly1683Glu)

Gene: FBN1 (fibrillin 1; minus strand). Cytogenetic location: 15q21.1.
Variant type: single nucleotide variant.
Coding change: c.5048G>A on transcript NM_000138.5 (MANE Select); coding-DNA position 5048, G replaced by A.
Protein change: p.Gly1683Glu; replaces glycine 1683 with glutamic acid.
Molecular consequence: missense variant.
Genome position (GRCh38, 1-based): chr15:48,463,916, C>T on the plus strand (G>A on the coding strand, the complement: FBN1 is on the minus strand). VCF-style: chr15-48463916-C-T. GRCh37 (hg19) VCF-style: chr15-48756113-C-T.
Other names: short protein forms G1683E.
Identifiers: ClinVar variation 920891 (VCV000920891.5), dbSNP rs2043300299, ClinGen allele CA392349637.